The following is an entry in ClinVar:

NM_001009931.3(HRNR):c.8121C>T (p.Tyr2707=)

Genes: CCDST (cervical cancer associated DHX9 suppressive transcript; plus strand), HRNR (hornerin; minus strand). Cytogenetic location: 1q21.3.
Variant type: single nucleotide variant.
Coding change: c.8121C>T on transcript NM_001009931.3 (MANE Select); coding-DNA position 8121, C replaced by T.
Protein change: p.Tyr2707=; no amino-acid change (tyrosine 2707 retained).
Molecular consequence: synonymous variant.
Genome position (GRCh38, 1-based): chr1:152,213,508, G>A on the plus strand (C>T on the coding strand, the complement: HRNR is on the minus strand). VCF-style: chr1-152213508-G-A. GRCh37 (hg19) VCF-style: chr1-152185984-G-A.
Identifiers: ClinVar variation 3388751 (VCV003388751.14).

ClinVar aggregate classification (germline): Likely benign (1 of 4 stars; one submission).

Submission:

CeGaT Center for Human Genetics Tuebingen
Classification: Likely benign. Last evaluated: 2024-11-01. Review status: criteria provided, single submitter. Criteria: CeGaT Center For Human Genetics Tuebingen Variant Classification Criteria Version 2. Collection method: clinical testing. Allele origin: germline. Affected: yes. Observed: 1 variant allele.
Comment: HRNR: BP4, BP7